The following is an entry in ClinVar:

ClinVar aggregate classification (germline): Likely benign (0 of 4 stars; one submission).

Conditions:
TBC1D4-related disorder. Also called: TBC1D4-related condition.

Submission:

PreventionGenetics, part of Exact Sciences
Classification: Likely benign for TBC1D4-related condition. Last evaluated: 2022-10-05. Review status: no assertion criteria provided. Collection method: clinical testing. Allele origin: germline.
Comment: This variant is classified as likely benign based on ACMG/AMP sequence variant interpretation guidelines (Richards et al. 2015 PMID: 25741868, with internal and published modifications).

NM_014832.5(TBC1D4):c.1276-4G>T

Gene: TBC1D4 (TBC1 domain family member 4; minus strand). Cytogenetic location: 13q22.2.
Variant type: single nucleotide variant.
Coding change: c.1276-4G>T on transcript NM_014832.5 (MANE Select); 4 bases into the intron before coding-DNA position 1276, G replaced by T.
Molecular consequence: intron variant.
Genome position (GRCh38, 1-based): chr13:75,349,306, C>A on the plus strand (G>T on the coding strand, the complement: TBC1D4 is on the minus strand). VCF-style: chr13-75349306-C-A. GRCh37 (hg19) VCF-style: chr13-75923442-C-A.
Other names: c.1276-4G>T (NM_001286659.2, NM_001286658.2).
Identifiers: ClinVar variation 3055010 (VCV003055010.2), dbSNP rs764232412, ClinGen allele CA700961662.